The following is an entry in ClinVar:

NM_153717.3(EVC):c.1770C>T (p.Asp590=)

Gene: EVC (EvC ciliary complex subunit 1; plus strand). Cytogenetic location: 4p16.2.
Variant type: single nucleotide variant.
Coding change: c.1770C>T on transcript NM_153717.3 (MANE Select); coding-DNA position 1770, C replaced by T.
Protein change: p.Asp590=; no amino-acid change (aspartic acid 590 retained).
Molecular consequence: synonymous variant.
Genome position (GRCh38, 1-based): chr4:5,783,758, C>T. VCF-style: chr4-5783758-C-T. GRCh37 (hg19) VCF-style: chr4-5785485-C-T.
Other names: c.1770C>T, p.Asp590= (NM_001306090.2).
Identifiers: ClinVar variation 530946 (VCV000530946.18), dbSNP rs141755737, ClinGen allele CA2836242.
Genomic context (GRCh38, chr4:5,783,758, plus strand): 5'-GAAGTCAAATCGCTTCCGGAGGCAGCAGTGGAAACTCTTCCAGGAGCTCCTAGAGCAAGA[C>T]CAGCAGGTGCGGGCATTTGGGAACCCAGGGGCTGGGGTCTGCATTTTAGAAACACACGAA-3'
Protein context (NP_714928.1, residues 580-600): WKLFQELLEQ[Asp590=]QQVWMEECAL

ClinVar aggregate classification (germline): Conflicting classifications of pathogenicity. Review status: criteria provided, conflicting classifications (1 of 4 stars). 3 submissions from 3 submitters: Uncertain significance (1); Benign (1). 1 of the submissions does not count toward it. Last evaluated 2026-01-26.

Conditions:
EVC-related disorder. Also called: EVC-related disorders; EVC-related condition.
Curry-Hall syndrome (WAD). Also called: WEYERS ACRODENTAL DYSOSTOSIS. Identifiers: Orphanet 952, MedGen C0457013, MONDO:0008673, OMIM 193530.
Ellis-van Creveld syndrome (EVC). Also called: MESOECTODERMAL DYSPLASIA; Chondroectodermal dysplasia. Identifiers: Orphanet 289, MedGen C0013903, MONDO:0009162, OMIM 225500.

Allele frequency attached by ClinVar (database versions not stated): gnomAD exomes 0.00020; ExAC 0.00028; gnomAD 0.00075 and 0.00079; TOPMed 0.00082; 1000 Genomes Project 30x 0.00094; 1000 Genomes Project 0.00100; ESP Exome Variant Server 0.00100.
gnomAD v4.1: 206 of 1,609,876 alleles (0.013%); highest among the groups gnomAD compares: African/African-American, 0.23%; 1 homozygote.

Submissions (3):

Labcorp Genetics (formerly Invitae), Labcorp
Classification: Benign for Curry-Hall syndrome; Ellis-van Creveld syndrome. Last evaluated: 2026-01-26. Review status: criteria provided, single submitter. Criteria: Invitae Variant Classification Sherloc (09022015). Collection method: clinical testing. Allele origin: germline.

Eurofins Ntd Llc (ga)
Classification: Uncertain significance. Last evaluated: 2018-06-28. Review status: criteria provided, single submitter. Criteria: EGL ClinVar v180209 classification definitions. Collection method: clinical testing. Allele origin: germline. Observed: 1 variant allele, 1 heterozygote.

PreventionGenetics, part of Exact Sciences
Classification: Likely benign for EVC-related condition. Last evaluated: 2019-03-14. Review status: no assertion criteria provided. Collection method: clinical testing. Allele origin: germline. Not counted in ClinVar's aggregate classification.
Comment: This variant is classified as likely benign based on ACMG/AMP sequence variant interpretation guidelines (Richards et al. 2015 PMID: 25741868, with internal and published modifications).